The following is an entry in ClinVar:

NM_014264.5(PLK4):c.1779G>A (p.Pro593=)

Gene: PLK4 (polo like kinase 4; plus strand). Cytogenetic location: 4q28.1.
Variant type: single nucleotide variant.
Coding change: c.1779G>A on transcript NM_014264.5 (MANE Select); coding-DNA position 1779, G replaced by A.
Protein change: p.Pro593=; no amino-acid change (proline 593 retained).
Molecular consequence: synonymous variant.
Genome position (GRCh38, 1-based): chr4:127,890,185, G>A. VCF-style: chr4-127890185-G-A. GRCh37 (hg19) VCF-style: chr4-128811340-G-A.
Other names: c.1683G>A, p.Pro561= (NM_001190799.2); c.1656G>A, p.Pro552= (NM_001190801.2); c.1779G>A (NM_014264.4).
Identifiers: ClinVar variation 1541279 (VCV001541279.10), dbSNP rs780867560, ClinGen allele CA3076840.

ClinVar aggregate classification (germline): Likely benign. Review status: criteria provided, single submitter (1 of 4 stars). 2 submissions from 2 submitters: Likely benign (1). 1 of the submissions does not count toward it. Last evaluated 2024-11-06.

Conditions:
PLK4-related disorder. Also called: PLK4-related condition.

Allele frequency attached by ClinVar (database versions not stated): gnomAD exomes 0.00002 and 0.00004; TOPMed 0.00002; ExAC 0.00003.
gnomAD v4.1: 30 of 1,613,400 alleles (0.0019%); highest among the groups gnomAD compares: South Asian, 0.015%; no homozygotes.

Submissions (2):

Labcorp Genetics (formerly Invitae), Labcorp
Classification: Likely benign. Last evaluated: 2024-11-06. Review status: criteria provided, single submitter. Criteria: Invitae Variant Classification Sherloc (09022015). Collection method: clinical testing. Allele origin: germline.

PreventionGenetics, part of Exact Sciences
Classification: Likely benign for PLK4-related condition. Last evaluated: 2019-04-05. Review status: no assertion criteria provided. Collection method: clinical testing. Allele origin: germline. Not counted in ClinVar's aggregate classification.
Comment: This variant is classified as likely benign based on ACMG/AMP sequence variant interpretation guidelines (Richards et al. 2015 PMID: 25741868, with internal and published modifications).